The following is an entry in ClinVar:

NM_032436.4(CHAMP1):c.2029G>T (p.Glu677Ter)

Gene: CHAMP1 (chromosome alignment maintaining phosphoprotein 1; plus strand). Cytogenetic location: 13q34.
Variant type: single nucleotide variant.
Coding change: c.2029G>T on transcript NM_032436.4 (MANE Select); coding-DNA position 2029, G replaced by T.
Protein change: p.Glu677Ter; replaces glutamic acid 677 with a stop codon.
Molecular consequence: nonsense.
Genome position (GRCh38, 1-based): chr13:114,325,871, G>T. VCF-style: chr13-114325871-G-T. GRCh37 (hg19) VCF-style: chr13-115091346-G-T.
Other names: c.2029G>T, p.Glu677Ter (NM_001164144.3, NM_001164145.3); short protein forms E677*.
Identifiers: ClinVar variation 217915 (VCV000217915.1), dbSNP rs863225073, ClinGen allele CA279788.

ClinVar aggregate classification (germline): Likely pathogenic (0 of 4 stars; one submission).

Submission:

University of Mississippi Medical Center, University of Mississippi
Classification: Likely pathogenic. Last evaluated: 2015-10-16. Review status: no assertion criteria provided. Collection method: clinical testing. Allele origin: germline. Affected: yes.
Comment: De novo nonsense mutation is similar to what has been detected in all previously reported cases of CHAMP1-related disorder